The following is an entry in ClinVar:

NM_002294.3(LAMP2):c.589G>A (p.Val197Met)

Gene: LAMP2 (lysosome associated membrane protein 2; minus strand). Cytogenetic location: Xq24.
Variant type: single nucleotide variant.
Coding change: c.589G>A on transcript NM_002294.3 (MANE Select); coding-DNA position 589, G replaced by A.
Protein change: p.Val197Met; replaces valine 197 with methionine.
Molecular consequence: missense variant.
Genome position (GRCh38, 1-based): chrX:120,447,993, C>T on the plus strand (G>A on the coding strand, the complement: LAMP2 is on the minus strand). VCF-style: chrX-120447993-C-T. GRCh37 (hg19) VCF-style: chrX-119581848-C-T.
Other names: c.589G>A, p.Val197Met (NM_001122606.1, NM_013995.2); short protein forms V197M.
Identifiers: ClinVar variation 2728312 (VCV002728312.3), dbSNP rs1360458497, ClinGen allele CA414401667.

ClinVar aggregate classification (germline): Uncertain significance (1 of 4 stars; one submission).

Conditions:
Danon disease. Also called: Glycogen Storage Disease Type IIb; ANTOPOL DISEASE; PSEUDOGLYCOGENOSIS II; GSD IIb; LYSOSOMAL GLYCOGEN STORAGE DISEASE WITHOUT ACID MALTASE DEFICIENCY. Identifiers: Orphanet 34587, MedGen C0878677, MONDO:0010281, OMIM 300257.

Allele frequency attached by ClinVar (database versions not stated): TOPMed 0.00002.

Submission:

Labcorp Genetics (formerly Invitae), Labcorp
Classification: Uncertain significance for Danon disease. Last evaluated: 2024-10-09. Review status: criteria provided, single submitter. Criteria: Invitae Variant Classification Sherloc (09022015). Collection method: clinical testing. Allele origin: germline.
Comment: This sequence change replaces valine, which is neutral and non-polar, with methionine, which is neutral and non-polar, at codon 197 of the LAMP2 protein (p.Val197Met). This variant is present in population databases (no rsID available, gnomAD 0.008%), including at least one homozygous and/or hemizygous individual. This variant has not been reported in the literature in individuals affected with LAMP2-related conditions. Invitae Evidence Modeling of protein sequence and biophysical properties (such as structural, functional, and spatial information, amino acid conservation, physicochemical variation, residue mobility, and thermodynamic stability) indicates that this missense variant is expected to disrupt LAMP2 protein function with a positive predictive value of 80%. In summary, the available evidence is currently insufficient to determine the role of this variant in disease. Therefore, it has been classified as a Variant of Uncertain Significance.